The following is an entry in ClinVar:

ClinVar aggregate classification (germline): Pathogenic/Likely pathogenic. Review status: criteria provided, multiple submitters, no conflicts (2 of 4 stars). 3 submissions from 3 submitters: Pathogenic (1); Likely pathogenic (2). Last evaluated 2025-10-13.

Conditions:
Severe X-linked myotubular myopathy (CNMX). Also called: MYOTUBULAR MYOPATHY 1; X-linked centronuclear myopathy; Myotubular myopathy, X-linked. Identifiers: Orphanet 596, MedGen C0410203, MONDO:0010683, OMIM 310400.

Submissions (3):

Women's Health and Genetics/Laboratory Corporation of America, LabCorp
Classification: Likely pathogenic for Severe X-linked myotubular myopathy. Last evaluated: 2025-10-13. Review status: criteria provided, single submitter. Criteria: LabCorp Variant Classification Summary - May 2015. Collection method: clinical testing. Allele origin: germline.
Comment: Variant summary: MTM1 c.1509delC (p.Asn503LysfsX33) results in a premature termination codon, predicted to cause a truncation of the encoded protein, however, nonsense mediated decay is not expected to occur. The variant was absent in 182441 control chromosomes. c.1509delC has been observed in individual(s) affected with Severe X-Linked Myotubular Myopathy (internal data). To our knowledge, no experimental evidence demonstrating an impact on protein function has been reported. ClinVar contains an entry for this variant (Variation ID: 158947). Based on the evidence outlined above, the variant was classified as likely pathogenic.

Mayo Clinic Laboratories, Mayo Clinic
Classification: Likely pathogenic. Last evaluated: 2021-07-22. Review status: criteria provided, single submitter. Criteria: ACMG Guidelines, 2015. Collection method: clinical testing. Allele origin: germline.
Comment: PM2, PVS1

Genetic Services Laboratory, University of Chicago
Classification: Pathogenic for Myotubular myopathy, X-linked. Last evaluated: 2013-02-08. Review status: criteria provided, single submitter. Criteria: ACMG Guidelines, 2007. Collection method: clinical testing. Allele origin: germline. Inheritance: X-linked inheritance. Affected: yes.

NM_000252.3(MTM1):c.1509del (p.Asn503fs)

Gene: MTM1 (myotubularin 1; plus strand). Cytogenetic location: Xq28.
Variant type: Deletion.
Coding change: c.1509del on transcript NM_000252.3 (MANE Select); coding-DNA position 1509, one base deleted (C; older notation c.1509delC).
Protein change: p.Asn503fs; shifts the reading frame from asparagine 503.
Molecular consequence: frameshift variant.
Genome position (GRCh38, 1-based): chrX:150,663,474, C deleted. VCF-style (leftmost placement, unchanged base first): chrX-150663473-AC-A. GRCh37 (hg19) VCF-style: chrX-149831946-AC-A.
Other names: c.1509delC (NM_000252.2, NM_000252.3); c.1509del, p.Asn503fs (NM_001376906.1, NM_001376908.1); c.1398del, p.Asn466fs (NM_001376907.1); short protein forms N503fs, N466fs.
Identifiers: ClinVar variation 158947 (VCV000158947.11), dbSNP rs587783802, ClinGen allele CA271840.